The following is an entry in ClinVar:

ClinVar aggregate classification (germline): Uncertain significance (1 of 4 stars; one submission).

Conditions:
Intellectual developmental disorder, X-linked, syndromic, Shashi type. Also called: SHASHI X-LINKED MENTAL RETARDATION SYNDROME; INTELLECTUAL DEVELOPMENTAL DISORDER, X-LINKED, SYNDROMIC 11; Syndromic X-linked intellectual disability Shashi type. Identifiers: Orphanet 85286, MedGen C1846145, MONDO:0010277, OMIM 300238.

Submission:

Laboratorio de Genetica e Diagnostico Molecular, Hospital Israelita Albert Einstein
Classification: Uncertain significance for Intellectual developmental disorder, X-linked, syndromic, Shashi type. Last evaluated: 2021-11-06. Review status: criteria provided, single submitter. Criteria: ACMG Guidelines, 2015. Collection method: clinical testing. Allele origin: germline. Affected: yes.
Comment: ACMG classification criteria: PM2 moderate, PP1 supporting, PP3 supporting

NM_002139.4(RBMX):c.101T>C (p.Ile34Thr)

Gene: RBMX (RNA binding motif protein X-linked; minus strand). Cytogenetic location: Xq26.3.
Variant type: single nucleotide variant.
Coding change: c.101T>C on transcript NM_002139.4 (MANE Select); coding-DNA position 101, T replaced by C.
Protein change: p.Ile34Thr; replaces isoleucine 34 with threonine.
Molecular consequence: missense variant. On other transcripts: non-coding transcript variant (2).
Genome position (GRCh38, 1-based): chrX:136,879,327, A>G on the plus strand (T>C on the coding strand, the complement: RBMX is on the minus strand). VCF-style: chrX-136879327-A-G. GRCh37 (hg19) VCF-style: chrX-135961486-A-G.
Other names: c.101T>C, p.Ile34Thr (NM_001164803.2); short protein forms I34T.
Identifiers: ClinVar variation 1683586 (VCV001683586.2), dbSNP rs2148714108, ClinGen allele CA414765326.